The following is an entry in ClinVar:

NM_001267550.2(TTN):c.23098+15G>T

Gene: TTN (titin; minus strand). Cytogenetic location: 2q31.2.
Variant type: single nucleotide variant.
Coding change: c.23098+15G>T on transcript NM_001267550.2 (MANE Select); 15 bases into the intron after coding-DNA position 23098, G replaced by T.
Molecular consequence: intron variant.
Genome position (GRCh38, 1-based): chr2:178,720,906, C>A on the plus strand (G>T on the coding strand, the complement: TTN is on the minus strand). VCF-style: chr2-178720906-C-A. GRCh37 (hg19) VCF-style: chr2-179585633-C-A.
Other names: c.13282+17176G>T (NM_003319.4); c.13858+17176G>T (NM_133437.4); c.13657+17176G>T (NM_133432.3); c.19366+15G>T (NM_133378.4); c.22147+15G>T (NM_001256850.1).
Identifiers: ClinVar variation 46709 (VCV000046709.5), dbSNP rs397517503, ClinGen allele CA139018.
Genomic context (GRCh38, chr2:178,720,906, plus strand): 5'-TTTTGGAACTCATAACTTTGCTAAGAGCCCAAATCAGAGGAGAATAAAGAAACAAAGAAG[C>A]TTAGTGTGTCTAACCTTTCACTGTCAACGCTGTGCTGCAGCTGGCGTCACCAACACCATT-3'

ClinVar aggregate classification (germline): Likely benign (1 of 4 stars; one submission).

Allele frequency attached by ClinVar (database versions not stated): gnomAD exomes below 0.00001.
gnomAD v4.1: 1 of 1,563,818 alleles (0.000064%); highest among the groups gnomAD compares: Non-Finnish European, 0.000087%; no homozygotes.

Submission:

Laboratory for Molecular Medicine, Mass General Brigham Personalized Medicine
Classification: Likely benign. Last evaluated: 2012-01-31. Review status: criteria provided, single submitter. Criteria: LMM Criteria. Collection method: clinical testing. Allele origin: germline. Observed: 1 variant allele.
Comment: 19366+15G>T in intron 76 of TTN: This variant is not expected to have clinical s ignificance because it is not located within the splice consensus sequence. 19 366+15G>T in intron 76 of TTN (allele frequency = n/a)